The following is an entry in ClinVar:

ClinVar aggregate classification (germline): Uncertain significance (1 of 4 stars; one submission).

Conditions:
Epileptic encephalopathy. Identifiers: MedGen C0543888, HP:0200134.

Allele frequency attached by ClinVar (database versions not stated): TOPMed 0.00004; gnomAD 0.00005; gnomAD exomes 0.00005 and 0.00010; ExAC 0.00011.
gnomAD v4.1: 73 of 1,609,878 alleles (0.0045%); highest among the groups gnomAD compares: Admixed American, 0.035%; no homozygotes.

Submission:

Labcorp Genetics (formerly Invitae), Labcorp
Classification: Uncertain significance for Epileptic encephalopathy. Last evaluated: 2024-08-18. Review status: criteria provided, single submitter. Criteria: Invitae Variant Classification Sherloc (09022015). Collection method: clinical testing. Allele origin: germline.
Comment: This sequence change replaces arginine, which is basic and polar, with histidine, which is basic and polar, at codon 1930 of the FASN protein (p.Arg1930His). This variant is present in population databases (rs771438093, gnomAD 0.05%). This variant has not been reported in the literature in individuals affected with FASN-related conditions. ClinVar contains an entry for this variant (Variation ID: 650103). An algorithm developed to predict the effect of missense changes on protein structure and function outputs the following: PolyPhen-2: "Benign". The histidine amino acid residue is found in multiple mammalian species, which suggests that this missense change does not adversely affect protein function. In summary, the available evidence is currently insufficient to determine the role of this variant in disease. Therefore, it has been classified as a Variant of Uncertain Significance.

NM_004104.5(FASN):c.5789G>A (p.Arg1930His)

Gene: FASN (fatty acid synthase; minus strand). Cytogenetic location: 17q25.3.
Variant type: single nucleotide variant.
Coding change: c.5789G>A on transcript NM_004104.5 (MANE Select); coding-DNA position 5789, G replaced by A.
Protein change: p.Arg1930His; replaces arginine 1930 with histidine.
Molecular consequence: missense variant.
Genome position (GRCh38, 1-based): chr17:82,082,657, C>T on the plus strand (G>A on the coding strand, the complement: FASN is on the minus strand). VCF-style: chr17-82082657-C-T. GRCh37 (hg19) VCF-style: chr17-80040533-C-T.
Other names: short protein forms R1930H.
Identifiers: ClinVar variation 650103 (VCV000650103.10), dbSNP rs771438093, ClinGen allele CA8851545.